The following is an entry in ClinVar:

NM_003719.5(PDE8B):c.2401G>A (p.Glu801Lys)

Gene: PDE8B (phosphodiesterase 8B; plus strand). Cytogenetic location: 5q13.3.
Variant type: single nucleotide variant.
Coding change: c.2401G>A on transcript NM_003719.5 (MANE Select); coding-DNA position 2401, G replaced by A.
Protein change: p.Glu801Lys; replaces glutamic acid 801 with lysine.
Molecular consequence: missense variant.
Genome position (GRCh38, 1-based): chr5:77,421,971, G>A. VCF-style: chr5-77421971-G-A. GRCh37 (hg19) VCF-style: chr5-76717796-G-A.
Other names: c.2110G>A, p.Glu704Lys (NM_001029851.4); c.2236G>A, p.Glu746Lys (NM_001029852.4); c.2341G>A, p.Glu781Lys (NM_001029853.4); c.2260G>A, p.Glu754Lys (NM_001029854.4); c.2398G>A, p.Glu800Lys (NM_001349748.3, NM_001349751.3); c.2464G>A, p.Glu822Lys (NM_001349749.3); c.2161G>A, p.Glu721Lys (NM_001349750.3); c.2095G>A, p.Glu699Lys (NM_001349752.3); and 12 more; short protein forms E583K, E721K, E652K, E680K, E754K, E800K, E822K, E653K.
Identifiers: ClinVar variation 1366323 (VCV001366323.8), dbSNP rs1361554726, ClinGen allele CA360184371.

ClinVar aggregate classification (germline): Uncertain significance (1 of 4 stars; one submission).

Submission:

Labcorp Genetics (formerly Invitae), Labcorp
Classification: Uncertain significance. Last evaluated: 2021-07-16. Review status: criteria provided, single submitter. Criteria: Invitae Variant Classification Sherloc (09022015). Collection method: clinical testing. Allele origin: germline.
Comment: This sequence change replaces glutamic acid with lysine at codon 801 of the PDE8B protein (p.Glu801Lys). The glutamic acid residue is highly conserved and there is a small physicochemical difference between glutamic acid and lysine. In summary, the available evidence is currently insufficient to determine the role of this variant in disease. Therefore, it has been classified as a Variant of Uncertain Significance. Algorithms developed to predict the effect of missense changes on protein structure and function are either unavailable or do not agree on the potential impact of this missense change (SIFT: "Tolerated"; PolyPhen-2: "Probably Damaging"; Align-GVGD: "Class C0"). This variant has not been reported in the literature in individuals affected with PDE8B-related conditions. This variant is not present in population databases (ExAC no frequency).